The following is an entry in ClinVar:

NM_130837.3(OPA1):c.118A>G (p.Ile40Val)

Gene: OPA1 (OPA1 mitochondrial dynamin like GTPase; plus strand). Cytogenetic location: 3q29.
Variant type: single nucleotide variant.
Coding change: c.118A>G on transcript NM_130837.3 (MANE Select); coding-DNA position 118, A replaced by G.
Protein change: p.Ile40Val; replaces isoleucine 40 with valine.
Molecular consequence: missense variant. On other transcripts: 5 prime UTR variant (2).
Genome position (GRCh38, 1-based): chr3:193,614,808, A>G. VCF-style: chr3-193614808-A-G. GRCh37 (hg19) VCF-style: chr3-193332597-A-G.
Other names: c.-255A>G (NM_001354663.2, NM_001354664.2); c.118A>G, p.Ile40Val (NM_015560.3, NM_130831.3, NM_130832.3 and 4 more transcripts); short protein forms I40V.
Identifiers: ClinVar variation 2975469 (VCV002975469.5), dbSNP rs1728765767, ClinGen allele CA355786534.

ClinVar aggregate classification (germline): Uncertain significance. Review status: criteria provided, multiple submitters, no conflicts (2 of 4 stars). 3 submissions from 3 submitters: Uncertain significance (3). Last evaluated 2026-08-16.

Conditions:
Inborn genetic diseases. Identifiers: MedGen C0950123, MeSH D030342.
OPA1-related disorder. Also called: OPA1-related disorders; OPA1-related condition.

Allele frequency attached by ClinVar (database versions not stated): TOPMed below 0.00001; gnomAD 0.00001.
gnomAD v4.1: 1 of 1,606,604 alleles (0.000062%); highest among the groups gnomAD compares: Non-Finnish European, 0.000085%; no homozygotes.

Submissions (3):

PreventionGenetics, part of Exact Sciences
Classification: Uncertain significance for OPA1-related condition. Last evaluated: 2026-08-16. Review status: criteria provided, single submitter. Criteria: ACMG Guidelines, 2015. Collection method: clinical testing. Allele origin: germline.
Comment: The OPA1 c.118A>G variant is predicted to result in the amino acid substitution p.Ile40Val. To our knowledge, this variant has not been reported in the literature or in a large population database (gnomAD), indicating this variant is rare. At this time, the clinical significance of this variant is uncertain due to the absence of conclusive functional and genetic evidence.

Ambry Genetics
Classification: Uncertain significance for Inborn genetic diseases. Last evaluated: 2024-05-14. Review status: criteria provided, single submitter. Criteria: Ambry Variant Classification Scheme 2023. Collection method: clinical testing. Allele origin: germline.

Labcorp Genetics (formerly Invitae), Labcorp
Classification: Uncertain significance. Last evaluated: 2023-08-02. Review status: criteria provided, single submitter. Criteria: Invitae Variant Classification Sherloc (09022015). Collection method: clinical testing. Allele origin: germline.
Comment: This variant is not present in population databases (gnomAD no frequency). In summary, the available evidence is currently insufficient to determine the role of this variant in disease. Therefore, it has been classified as a Variant of Uncertain Significance. Advanced modeling of protein sequence and biophysical properties (such as structural, functional, and spatial information, amino acid conservation, physicochemical variation, residue mobility, and thermodynamic stability) performed at Invitae indicates that this missense variant is not expected to disrupt OPA1 protein function. This variant has not been reported in the literature in individuals affected with OPA1-related conditions. This sequence change replaces isoleucine, which is neutral and non-polar, with valine, which is neutral and non-polar, at codon 40 of the OPA1 protein (p.Ile40Val).